The following is an entry in ClinVar:

NM_000875.5(IGF1R):c.1997-8C>A

Gene: IGF1R (insulin like growth factor 1 receptor; plus strand). Cytogenetic location: 15q26.3.
Variant type: single nucleotide variant.
Coding change: c.1997-8C>A on transcript NM_000875.5 (MANE Select); 8 bases into the intron before coding-DNA position 1997, C replaced by A.
Molecular consequence: intron variant.
Genome position (GRCh38, 1-based): chr15:98,916,664, C>A. VCF-style: chr15-98916664-C-A. GRCh37 (hg19) VCF-style: chr15-99459893-C-A.
Other names: c.1997-8C>A (NM_001291858.2).
Identifiers: ClinVar variation 885701 (VCV000885701.5), dbSNP rs767356585, ClinGen allele CA7752274.

ClinVar aggregate classification (germline): Conflicting classifications of pathogenicity. Review status: criteria provided, conflicting classifications (1 of 4 stars). 2 submissions from 2 submitters: Uncertain significance (1); Likely benign (1). Last evaluated 2025-05-09.

Conditions:
Growth delay due to insulin-like growth factor I resistance. Also called: Somatomedin end-organ insensitivity to; Somatomedin-c resistance to; IGF-1 resistance; IGF-I RESISTANCE; Insulin-Like Growth Factor I Resistance. Identifiers: Orphanet 73273, MedGen C1849157, MONDO:0010038, OMIM 270450.

Allele frequency attached by ClinVar (database versions not stated): gnomAD 0.00001; TOPMed 0.00001; ExAC 0.00002; gnomAD exomes 0.00002 and 0.00005.
gnomAD v4.1: 70 of 1,613,492 alleles (0.0043%); highest among the groups gnomAD compares: Non-Finnish European, 0.0058%; no homozygotes.

Submissions (2):

Women's Health and Genetics/Laboratory Corporation of America, LabCorp
Classification: Likely benign. Last evaluated: 2025-05-09. Review status: criteria provided, single submitter. Criteria: LabCorp Variant Classification Summary - May 2015. Collection method: clinical testing. Allele origin: germline.
Comment: Variant summary: IGF1R c.1997-8C>A alters a non-conserved nucleotide located at a position not widely known to affect splicing. Consensus agreement among computation tools predict no significant impact on normal splicing. However, these predictions have yet to be confirmed by functional studies. The variant allele was found at a frequency of 2e-05 in 251446 control chromosomes. The available data on variant occurrences in the general population are insufficient to allow any conclusion about variant significance. To our knowledge, no occurrence of c.1997-8C>A in individuals affected with Growth Delay Due To Insulin-Like Growth Factor I Resistance and no experimental evidence demonstrating its impact on protein function have been reported. ClinVar contains an entry for this variant (Variation ID: 885701). Based on the evidence outlined above, the variant was classified as likely benign.

Illumina Laboratory Services, Illumina
Classification: Uncertain significance for Growth delay due to insulin-like growth factor I resistance. Last evaluated: 2018-01-12. Review status: criteria provided, single submitter. Criteria: ICSL Variant Classification Criteria 13 December 2019. Collection method: clinical testing. Allele origin: germline.